The following is an entry in ClinVar:

NM_000135.4(FANCA):c.1651G>A (p.Val551Ile)

Gene: FANCA (FA complementation group A; minus strand). Cytogenetic location: 16q24.3.
Variant type: single nucleotide variant.
Coding change: c.1651G>A on transcript NM_000135.4 (MANE Select); coding-DNA position 1651, G replaced by A.
Protein change: p.Val551Ile; replaces valine 551 with isoleucine.
Molecular consequence: missense variant.
Genome position (GRCh38, 1-based): chr16:89,779,933, C>T on the plus strand (G>A on the coding strand, the complement: FANCA is on the minus strand). VCF-style: chr16-89779933-C-T. GRCh37 (hg19) VCF-style: chr16-89846341-C-T.
Other names: c.1651G>A, p.Val551Ile (NM_001286167.3); short protein forms V551I.
Identifiers: ClinVar variation 837269 (VCV000837269.4), dbSNP rs2039643856, ClinGen allele CA397456439.

ClinVar aggregate classification (germline): Uncertain significance. Review status: criteria provided, multiple submitters, no conflicts (2 of 4 stars). 2 submissions from 2 submitters: Uncertain significance (2). Last evaluated 2025-01-25.

Conditions:
Inborn genetic diseases. Identifiers: MedGen C0950123, MeSH D030342.
Fanconi anemia (FA). Also called: Fanconi's anemia. Identifiers: Orphanet 84, MedGen C0015625, MeSH D005199, MONDO:0019391.

Submissions (2):

Ambry Genetics
Classification: Uncertain significance for Inborn genetic diseases. Last evaluated: 2025-01-25. Review status: criteria provided, single submitter. Criteria: Ambry Variant Classification Scheme 2023. Collection method: clinical testing. Allele origin: germline.
Comment: The p.V551I variant (also known as c.1651G>A), located in coding exon 18 of the FANCA gene, results from a G to A substitution at nucleotide position 1651. The valine at codon 551 is replaced by isoleucine, an amino acid with highly similar properties. This amino acid position is conserved. In addition, the in silico prediction for this alteration is inconclusive. Based on the available evidence, the clinical significance of this variant remains unclear.

Labcorp Genetics (formerly Invitae), Labcorp
Classification: Uncertain significance for Fanconi anemia. Last evaluated: 2021-08-31. Review status: criteria provided, single submitter. Criteria: Invitae Variant Classification Sherloc (09022015). Collection method: clinical testing. Allele origin: germline.
Comment: This sequence change replaces valine with isoleucine at codon 551 of the FANCA protein (p.Val551Ile). The valine residue is highly conserved and there is a small physicochemical difference between valine and isoleucine. This variant is not present in population databases (ExAC no frequency). This variant has not been reported in the literature in individuals affected with FANCA-related conditions. Algorithms developed to predict the effect of missense changes on protein structure and function (SIFT, PolyPhen-2, Align-GVGD) all suggest that this variant is likely to be tolerated. In summary, the available evidence is currently insufficient to determine the role of this variant in disease. Therefore, it has been classified as a Variant of Uncertain Significance.